The following is an entry in ClinVar:

NM_020937.4(FANCM):c.742C>G (p.Pro248Ala)

Gene: FANCM (FA complementation group M; plus strand). Cytogenetic location: 14q21.2.
Variant type: single nucleotide variant.
Coding change: c.742C>G on transcript NM_020937.4 (MANE Select); coding-DNA position 742, C replaced by G.
Protein change: p.Pro248Ala; replaces proline 248 with alanine.
Molecular consequence: missense variant. On other transcripts: intron variant (1).
Genome position (GRCh38, 1-based): chr14:45,140,692, C>G. VCF-style: chr14-45140692-C-G. GRCh37 (hg19) VCF-style: chr14-45609895-C-G.
Other names: c.742C>G, p.Pro248Ala (NM_001308134.2); c.681+3451C>G (NM_001308133.2); short protein forms P248A.
Identifiers: ClinVar variation 4022579 (VCV004022579.1).

ClinVar aggregate classification (germline): Uncertain significance (1 of 4 stars; one submission).

Conditions:
Inborn genetic diseases. Identifiers: MedGen C0950123, MeSH D030342.

Submission:

Ambry Genetics
Classification: Uncertain significance for Inborn genetic diseases. Last evaluated: 2025-03-15. Review status: criteria provided, single submitter. Criteria: Ambry Variant Classification Scheme 2023. Collection method: clinical testing. Allele origin: germline.
Comment: The p.P248A variant (also known as c.742C>G), located in coding exon 3 of the FANCM gene, results from a C to G substitution at nucleotide position 742. The proline at codon 248 is replaced by alanine, an amino acid with highly similar properties. This amino acid position is conserved. In addition, this alteration is predicted to be tolerated by in silico analysis. Based on the available evidence, the clinical significance of this variant remains unclear.